The following is an entry in ClinVar:

ClinVar aggregate classification (germline): Pathogenic (1 of 4 stars; one submission).

Submission:

Labcorp Genetics (formerly Invitae), Labcorp
Classification: Pathogenic. Last evaluated: 2022-05-12. Review status: criteria provided, single submitter. Criteria: Invitae Variant Classification Sherloc (09022015). Collection method: clinical testing. Allele origin: germline.
Comment: For these reasons, this variant has been classified as Pathogenic. ClinVar contains an entry for this variant (Variation ID: 849445). This sequence change creates a premature translational stop signal (p.Thr1583Hisfs*11) in the POLE gene. It is expected to result in an absent or disrupted protein product. Loss-of-function variants in POLE are known to be pathogenic (PMID: 23230001, 25948378, 30503519). This variant is not present in population databases (gnomAD no frequency). This variant has not been reported in the literature in individuals affected with POLE-related conditions.

Literature cited by the submitters: PubMed 23230001; PubMed 25948378; PubMed 30503519.

NM_006231.4(POLE):c.4743del (p.Thr1583fs)

Gene: POLE (DNA polymerase epsilon, catalytic subunit; minus strand). Cytogenetic location: 12q24.33.
Variant type: Deletion.
Coding change: c.4743del on transcript NM_006231.4 (MANE Select); coding-DNA position 4743, one base deleted (G; older notation c.4743delG).
Protein change: p.Thr1583fs; shifts the reading frame from threonine 1583.
Molecular consequence: frameshift variant.
Genome position (GRCh38, 1-based): chr12:132,642,715, C deleted on the plus strand (G on the coding strand, the reverse complement: POLE is on the minus strand); the first of 5 consecutive C bases (chr12:132,642,715-132,642,719); deleting any one gives the same sequence. VCF-style (leftmost placement, unchanged base first): chr12-132642714-GC-G. GRCh37 (hg19) VCF-style: chr12-133219300-GC-G.
Other names: short protein forms T1583fs.
Identifiers: ClinVar variation 849445 (VCV000849445.9), dbSNP rs1593731554, ClinGen allele CA916082359.